The following is an entry in ClinVar:

ClinVar aggregate classification (germline): Pathogenic (1 of 4 stars; one submission).

Conditions:
Cardiovascular phenotype. Identifiers: MedGen CN230736.

Submission:

Ambry Genetics
Classification: Pathogenic for Cardiovascular phenotype. Last evaluated: 2024-12-02. Review status: criteria provided, single submitter. Criteria: Ambry Variant Classification Scheme 2023. Collection method: clinical testing. Allele origin: germline.
Comment: The c.313delT pathogenic mutation, located in coding exon 4 of the EMD gene, results from a deletion of one nucleotide at nucleotide position 313, causing a translational frameshift with a predicted alternate stop codon (p.Y105Mfs*17). This variant is considered to be rare based on population cohorts in the Genome Aggregation Database (gnomAD). This alteration is expected to result in loss of function by premature protein truncation or nonsense-mediated mRNA decay. As such, this alteration is interpreted as a disease-causing mutation.

NM_000117.3(EMD):c.313del (p.Tyr105fs)

Gene: EMD (emerin; plus strand). Cytogenetic location: Xq28.
Variant type: Deletion.
Coding change: c.313del on transcript NM_000117.3 (MANE Select); coding-DNA position 313, one base deleted (T; older notation c.313delT).
Protein change: p.Tyr105fs; shifts the reading frame from tyrosine 105.
Molecular consequence: frameshift variant.
Genome position (GRCh38, 1-based): chrX:154,380,281, T deleted; the last of 2 consecutive T bases (chrX:154,380,280-154,380,281); deleting either gives the same sequence. VCF-style (leftmost placement, unchanged base first): chrX-154380279-CT-C. GRCh37 (hg19) VCF-style: chrX-153608639-CT-C.
Other names: short protein forms Y105fs.
Identifiers: ClinVar variation 3508175 (VCV003508175.1).
Genomic context (GRCh38, chrX:154,380,279, plus strand): 5'-GCCCCCCTTCCCAAGGCTACAATGACGACTACTATGAAGAGAGCTACTTCACCACCAGGA[CT>C]TATGGGGAGCCCGAGTCTGCCGGCCCGTCCAGGGCTGTCCGCCAGTCAGTGACTTCATTC-3'